The following is an entry in ClinVar:

ClinVar aggregate classification (germline): Uncertain significance (1 of 4 stars; one submission).

Submission:

GeneDx
Classification: Uncertain significance. Last evaluated: 2022-07-14. Review status: criteria provided, single submitter. Criteria: GeneDx Variant Classification Process June 2021. Collection method: clinical testing. Allele origin: germline. Affected: yes.
Comment: Not observed in large population cohorts (gnomAD); In silico analysis supports that this missense variant does not alter protein structure/function; Has not been previously published as pathogenic or benign to our knowledge

NM_006662.3(SRCAP):c.1752T>G (p.Ile584Met)

Gene: SRCAP (Snf2 related CREBBP activator protein; plus strand). Cytogenetic location: 16p11.2.
Variant type: single nucleotide variant.
Coding change: c.1752T>G on transcript NM_006662.3 (MANE Select); coding-DNA position 1752, T replaced by G.
Protein change: p.Ile584Met; replaces isoleucine 584 with methionine.
Molecular consequence: missense variant.
Genome position (GRCh38, 1-based): chr16:30,712,094, T>G. VCF-style: chr16-30712094-T-G. GRCh37 (hg19) VCF-style: chr16-30723415-T-G.
Other names: short protein forms I584M.
Identifiers: ClinVar variation 1698034 (VCV001698034.2), dbSNP rs766917767, ClinGen allele CA395606532.